The following is an entry in ClinVar:

NM_003000.3(SDHB):c.371T>C (p.Val124Ala)

Gene: SDHB (succinate dehydrogenase complex iron sulfur subunit B; minus strand). Cytogenetic location: 1p36.13.
Variant type: single nucleotide variant.
Coding change: c.371T>C on transcript NM_003000.3 (MANE Select); coding-DNA position 371, T replaced by C.
Protein change: p.Val124Ala; replaces valine 124 with alanine.
Molecular consequence: missense variant.
Genome position (GRCh38, 1-based): chr1:17,028,652, A>G on the plus strand (T>C on the coding strand, the complement: SDHB is on the minus strand). VCF-style: chr1-17028652-A-G. GRCh37 (hg19) VCF-style: chr1-17355147-A-G.
Other names: short protein forms V124A.
Identifiers: ClinVar variation 571529 (VCV000571529.6), dbSNP rs1557741456, ClinGen allele CA338274420.

ClinVar aggregate classification (germline): Uncertain significance (1 of 4 stars; one submission).

Conditions:
Pheochromocytoma. Also called: MAX-Related Hereditary Paraganglioma-Pheochromocytoma Syndrome. Identifiers: Orphanet 29072, MedGen C0031511, MONDO:0008233, OMIM 171300, HP:0002666.
Gastrointestinal stromal tumor. Also called: Gastrointestinal stromal tumor, somatic; Gastrointestinal stroma tumor. Identifiers: Orphanet 44890, MedGen C0238198, MeSH D046152, MONDO:0011719, OMIM 606764, HP:0100723.
Pheochromocytoma/paraganglioma syndrome 4. Also called: SDHB-Related Hereditary Paraganglioma-Pheochromocytoma Syndrome; PARAGANGLIOMA, FAMILIAL MALIGNANT; PARAGANGLIOMAS, HEREDITARY EXTRAADRENAL; PHEOCHROMOCYTOMA, FAMILIAL EXTRAADRENAL; Paragangliomas 4; CAROTID BODY TUMORS AND MULTIPLE EXTRAADRENAL PHEOCHROMOCYTOMAS. Identifiers: Orphanet 29072, MedGen C1861848, MONDO:0007273, OMIM 115310.

Submission:

Labcorp Genetics (formerly Invitae), Labcorp
Classification: Uncertain significance for Gastrointestinal stromal tumor; Pheochromocytoma/paraganglioma syndrome 4; Pheochromocytoma. Last evaluated: 2018-01-10. Review status: criteria provided, single submitter. Criteria: Invitae Variant Classification Sherloc (09022015). Collection method: clinical testing. Allele origin: germline.
Comment: Algorithms developed to predict the effect of missense changes on protein structure and function (SIFT, PolyPhen-2, Align-GVGD) all suggest that this variant is likely to be tolerated, but these predictions have not been confirmed by published functional studies and their clinical significance is uncertain. In summary, the available evidence is currently insufficient to determine the role of this variant in disease. Therefore, it has been classified as a Variant of Uncertain Significance. This variant has not been reported in the literature in individuals with SDHB-related disease. This variant is not present in population databases (ExAC no frequency). This sequence change replaces valine with alanine at codon 124 of the SDHB protein (p.Val124Ala). The valine residue is moderately conserved and there is a small physicochemical difference between valine and alanine.